The following is an entry in ClinVar:

ClinVar aggregate classification (germline): Conflicting classifications of pathogenicity. Review status: criteria provided, conflicting classifications (1 of 4 stars). 10 submissions from 10 submitters: Uncertain significance (4); Likely benign (4). 2 of the submissions do not count toward it. Last evaluated 2025-12-28.

Conditions:
BRCA2-related disorder. Also called: BRCA2-related condition; BRCA2-related disorders. Identifiers: MedGen CN239275.
Hereditary cancer-predisposing syndrome. Also called: Neoplastic Syndromes, Hereditary; Hereditary Cancer Syndrome; Hereditary neoplastic syndrome; Tumor predisposition. Identifiers: Orphanet 140162, MedGen C0027672, MeSH D009386, MONDO:0015356.
Hereditary breast ovarian cancer syndrome. Also called: Hereditary breast and ovarian cancer syndrome; Hereditary breast and/or ovarian cancer syndrome; BRCA1- and BRCA2-Associated Hereditary Breast and Ovarian Cancer; Hereditary breast and ovarian cancer; Breast and ovarian cancer; Hereditary breast and ovarian cancer syndrome (HBOC). Identifiers: Orphanet 145, MedGen C0677776, MeSH D061325, MONDO:0003582. Disease mechanism: loss of function.
Breast-ovarian cancer, familial, susceptibility to, 2 (BROVCA2). Also called: BRCA2 Hereditary Breast and Ovarian Cancer. Identifiers: Orphanet 145, MedGen C2675520, MONDO:0012933, OMIM 612555. Disease mechanism: loss of function.
Familial cancer of breast. Also called: Hereditary breast cancer; hereditary breast carcinoma; BREAST CANCER, FAMILIAL. Identifiers: Orphanet 227535, MedGen C0346153, MONDO:0016419, OMIM 114480. Disease mechanism: loss of function.

Allele frequency attached by ClinVar (database versions not stated): gnomAD exomes below 0.00001; TOPMed below 0.00001.

Submissions (10):

Labcorp Genetics (formerly Invitae), Labcorp
Classification: Uncertain significance for Hereditary breast ovarian cancer syndrome. Last evaluated: 2025-12-28. Review status: criteria provided, single submitter. Criteria: Invitae Variant Classification Sherloc (09022015). Collection method: clinical testing. Allele origin: germline.
Comment: This sequence change replaces asparagine, which is neutral and polar, with aspartic acid, which is acidic and polar, at codon 556 of the BRCA2 protein (p.Asn556Asp). This variant is present in population databases (rs587781794, gnomAD 0.007%). This missense change has been observed in individual(s) with breast cancer (PMID: 32101877). ClinVar contains an entry for this variant (Variation ID: 141498). Invitae Evidence Modeling of protein sequence and biophysical properties (such as structural, functional, and spatial information, amino acid conservation, physicochemical variation, residue mobility, and thermodynamic stability) indicates that this missense variant is not expected to disrupt BRCA2 protein function with a negative predictive value of 95%. In summary, the available evidence is currently insufficient to determine the role of this variant in disease. Therefore, it has been classified as a Variant of Uncertain Significance.

Quest Diagnostics Nichols Institute San Juan Capistrano
Classification: Uncertain significance. Last evaluated: 2025-01-30. Review status: criteria provided, single submitter. Criteria: Quest Diagnostics criteria. Collection method: clinical testing. Allele origin: unknown.
Comment: The BRCA2 c.1666A>G (p.Asn556Asp) variant has been reported in the published literature in individuals with breast cancer (PMIDs: 32101877 (2019) and 33471991 (2021)), as well as reportedly healthy individuals (PMID: 33471991 (2021)). A functional study using a minigene assay reported that the variant had no effect on splicing (PMID: 22505045 (2012)). The frequency of this variant in the general population (Genome Aggregation Database) is uninformative in the assessment of its pathogenicity. Analysis of this variant using bioinformatics tools for the prediction of the effect of amino acid changes on protein structure and function yielded predictions that this variant is benign. Based on the available information, we are unable to determine the clinical significance of this variant.

Ambry Genetics
Classification: Likely benign for Hereditary cancer-predisposing syndrome. Last evaluated: 2024-11-13. Review status: criteria provided, single submitter. Criteria: Ambry Variant Classification Scheme 2023. Collection method: clinical testing. Allele origin: germline.

GeneDx
Classification: Uncertain significance. Last evaluated: 2024-03-15. Review status: criteria provided, single submitter. Criteria: GeneDx Variant Classification Process June 2021. Collection method: clinical testing. Allele origin: germline. Affected: yes.
Comment: Identified in individuals with breast or ovarian cancer and in unaffected controls (PMID: 32101877, 33471991, 35918668); Not observed at significant frequency in large population cohorts (gnomAD); In silico analysis supports that this missense variant does not alter protein structure/function; Also known as 1894A>G; This variant is associated with the following publications: (PMID: 25348012, 22505045, 32101877, 31131967, 33471991, 35918668)

All of Us Research Program, National Institutes of Health
Classification: Likely benign for Breast-ovarian cancer, familial, susceptibility to, 2. Last evaluated: 2023-10-27. Review status: criteria provided, single submitter. Criteria: ACMG Guidelines, 2015. Collection method: clinical testing. Allele origin: germline. Inheritance: Autosomal dominant inheritance. Observed: 2 variant alleles, 2 heterozygotes.
Comment: This study involves interpretation of variants in research participants for the purpose of population health screening. Participant phenotype was not available at the time of variant classification. Additional details can be found in publication PMID: 35346344, PMCID: PMC8962531

University of Washington Department of Laboratory Medicine, University of Washington
Classification: Likely benign for Hereditary cancer-predisposing syndrome. Last evaluated: 2023-03-23. Review status: criteria provided, single submitter. Criteria: Dines et al. (Genet Med. 2020). Collection method: curation. Allele origin: germline.
Comment: Missense variant in a coldspot region where missense variants are very unlikely to be pathogenic (PMID:31911673).

BRCA2 exon 10 coldspot. Reclassification based on statistical prior probability.

Women's Health and Genetics/Laboratory Corporation of America, LabCorp
Classification: Uncertain significance. Last evaluated: 2021-07-08. Review status: criteria provided, single submitter. Criteria: LabCorp Variant Classification Summary - May 2015. Collection method: clinical testing. Allele origin: germline.
Comment: Variant summary: BRCA2 c.1666A>G (p.Asn556Asp) results in a conservative amino acid change in the encoded protein sequence. Five of five in-silico tools predict a benign effect of the variant on protein function. The variant allele was found at a frequency of 4e-06 in 251222 control chromosomes (gnomAD). The available data on variant occurrences in the general population are insufficient to allow any conclusion about variant significance. c.1666A>G has been reported in the literature in individuals affected with breast cancer (e.g. Wu_2019, Dorling_2021) but it has also been reported in controls (e.g. Dorling_2021). These reports do not provide unequivocal conclusions about association of the variant with Hereditary Breast And Ovarian Cancer Syndrome. A co-occurrence with a pathogenic variant has been reported (BRCA2 c.4093delT, p.Cys1365ValfsX9; UMD), providing supporting evidence for a benign role. Experimental evidence demonstrated the variant does not affect splicing (Houdayer_2012). Four ClinVar submitters (evaluation after 2014) cite the variant as uncertain significance and one ClinVar submitter (evaluation after 2014) cites it as likely benign. A recent publication involving the ENIGMA network of collaborators (Parsons_2019) assigned a classification of uncertain significance based on likelihood ratios (LRs) for pathogenicity estimated from clinical data of co-occurrence, family history and bioinformatic predictions; however, no evidence was provided for independent assessment. Based on the evidence outlined above, the variant was classified as VUS-possibly benign.

Color Diagnostics, LLC DBA Color Health
Classification: Likely benign for Hereditary cancer-predisposing syndrome. Last evaluated: 2017-05-01. Review status: criteria provided, single submitter. Criteria: ACMG Guidelines, 2015. Collection method: clinical testing. Allele origin: germline.

PreventionGenetics, part of Exact Sciences
Classification: Uncertain significance for BRCA2-related condition. Last evaluated: 2023-12-04. Review status: no assertion criteria provided. Collection method: clinical testing. Allele origin: germline. Not counted in ClinVar's aggregate classification.
Comment: The BRCA2 c.1666A>G variant is predicted to result in the amino acid substitution p.Asn556Asp. This variant was reported in 4 individuals with breast cancer (Dorling et al 2021. PubMed ID: 33471991; Wu et al 2019. PubMed ID: 32101877) and in 2 control individuals (Dorling et al 2021. PubMed ID: 33471991). Experimental evidence demonstrated the variant does not affect splicing (Houdayer et al 2012. PubMed ID: 22505045). A recent publication involving the ENIGMA network of collaborators (Parsons et al 2019. PubMed ID: 31131967) assigned a classification of uncertain significance to this variant. This variant is reported in 0.0062% of alleles in individuals of African descent in gnomAD. At this time, the clinical significance of this variant is uncertain due to the absence of conclusive functional and genetic evidence.

Center for Precision Medicine, Meizhou People's Hospital
Classification: Uncertain significance for Familial cancer of breast. Review status: no assertion criteria provided. Collection method: literature only. Allele origin: germline. Affected: yes. Not counted in ClinVar's aggregate classification.

Literature cited by the submitters: PubMed 32101877 (cited by 4 submitters); PubMed 22505045 (cited by 3 submitters); PubMed 33471991 (cited by 4 submitters); PubMed 31131967 (cited by Women's Health and Genetics/Laboratory Corporation of America, LabCorp and Center for Precision Medicine, Meizhou People's Hospital).

NM_000059.4(BRCA2):c.1666A>G (p.Asn556Asp)

Gene: BRCA2 (BRCA2 DNA repair associated; plus strand). Cytogenetic location: 13q13.1.
Variant type: single nucleotide variant.
Coding change: c.1666A>G on transcript NM_000059.4 (MANE Select); coding-DNA position 1666, A replaced by G.
Protein change: p.Asn556Asp; replaces asparagine 556 with aspartic acid.
Molecular consequence: missense variant.
Genome position (GRCh38, 1-based): chr13:32,333,144, A>G. VCF-style: chr13-32333144-A-G. GRCh37 (hg19) VCF-style: chr13-32907281-A-G.
Other names: short protein forms N556D.
Identifiers: ClinVar variation 141498 (VCV000141498.31), dbSNP rs587781794, ClinGen allele CA012839.